The following is an entry in ClinVar:

NM_032444.4(SLX4):c.2553G>A (p.Met851Ile)

Gene: SLX4 (SLX4 structure-specific endonuclease subunit; minus strand). Cytogenetic location: 16p13.3.
Variant type: single nucleotide variant.
Coding change: c.2553G>A on transcript NM_032444.4 (MANE Select); coding-DNA position 2553, G replaced by A.
Protein change: p.Met851Ile; replaces methionine 851 with isoleucine.
Molecular consequence: missense variant.
Genome position (GRCh38, 1-based): chr16:3,591,085, C>T on the plus strand (G>A on the coding strand, the complement: SLX4 is on the minus strand). VCF-style: chr16-3591085-C-T. GRCh37 (hg19) VCF-style: chr16-3641086-C-T.
Other names: c.2553G>A (NM_032444.2); short protein forms M851I.
Identifiers: ClinVar variation 1471433 (VCV001471433.9), dbSNP rs2040587848, ClinGen allele CA394523465.

ClinVar aggregate classification (germline): Uncertain significance. Review status: criteria provided, multiple submitters, no conflicts (2 of 4 stars). 2 submissions from 2 submitters: Uncertain significance (2). Last evaluated 2023-02-01.

Conditions:
Inborn genetic diseases. Identifiers: MedGen C0950123, MeSH D030342.
Fanconi anemia (FA). Also called: Fanconi's anemia. Identifiers: Orphanet 84, MedGen C0015625, MeSH D005199, MONDO:0019391.

Allele frequency attached by ClinVar (database versions not stated): TOPMed below 0.00001.

Submissions (2):

Ambry Genetics
Classification: Uncertain significance for Inborn genetic diseases. Last evaluated: 2023-02-01. Review status: criteria provided, single submitter. Criteria: Ambry Variant Classification Scheme 2023. Collection method: clinical testing. Allele origin: germline.

Labcorp Genetics (formerly Invitae), Labcorp
Classification: Uncertain significance for Fanconi anemia. Last evaluated: 2021-02-17. Review status: criteria provided, single submitter. Criteria: Invitae Variant Classification Sherloc (09022015). Collection method: clinical testing. Allele origin: germline.
Comment: In summary, the available evidence is currently insufficient to determine the role of this variant in disease. Therefore, it has been classified as a Variant of Uncertain Significance. Algorithms developed to predict the effect of missense changes on protein structure and function are either unavailable or do not agree on the potential impact of this missense change (SIFT: "Tolerated"; PolyPhen-2: "Probably Damaging"; Align-GVGD: "Class C0"). This variant has not been reported in the literature in individuals with SLX4-related conditions. This variant is not present in population databases (ExAC no frequency). This sequence change replaces methionine with isoleucine at codon 851 of the SLX4 protein (p.Met851Ile). The methionine residue is moderately conserved and there is a small physicochemical difference between methionine and isoleucine.